The following is an entry in ClinVar:

ClinVar aggregate classification (germline): Conflicting classifications of pathogenicity. Review status: criteria provided, conflicting classifications (1 of 4 stars). 2 submissions from 2 submitters: Uncertain significance (1); Likely benign (1). Last evaluated 2025-10-06.

Conditions:
COL2A1-related disorder. Also called: COL2A1-related condition; COL2A1-related disorders.

gnomAD v4.1: 10 of 1,614,054 alleles (0.00062%); highest among the groups gnomAD compares: South Asian, 0.0022%; no homozygotes.

Submissions (2):

PreventionGenetics, part of Exact Sciences
Classification: Uncertain significance for COL2A1-related condition. Last evaluated: 2025-10-06. Review status: criteria provided, single submitter. Criteria: ACMG Guidelines, 2015. Collection method: clinical testing. Allele origin: germline.
Comment: The COL2A1 c.3826C>T variant is predicted to result in the amino acid substitution p.Arg1276Cys. This variant has been reported in an individual with spondylarthopathy with brachydactyly (referred to as R1076C using legacy nomenclature, Hoornaert et al. 2006. PubMed ID: 16155195). This variant is reported in 0.0065% of alleles in individuals of South Asian descent in gnomAD. At this time, the clinical significance of this variant is uncertain due to the absence of conclusive functional and genetic evidence.

Labcorp Genetics (formerly Invitae), Labcorp
Classification: Likely benign. Last evaluated: 2025-03-31. Review status: criteria provided, single submitter. Criteria: Invitae Variant Classification Sherloc (09022015). Collection method: clinical testing. Allele origin: germline.

NM_001844.5(COL2A1):c.3826C>T (p.Arg1276Cys)

Gene: COL2A1 (collagen type II alpha 1 chain; minus strand). Cytogenetic location: 12q13.11.
Variant type: single nucleotide variant.
Coding change: c.3826C>T on transcript NM_001844.5 (MANE Select); coding-DNA position 3826, C replaced by T.
Protein change: p.Arg1276Cys; replaces arginine 1276 with cysteine.
Molecular consequence: missense variant.
Genome position (GRCh38, 1-based): chr12:47,975,377, G>A on the plus strand (C>T on the coding strand, the complement: COL2A1 is on the minus strand). VCF-style: chr12-47975377-G-A. GRCh37 (hg19) VCF-style: chr12-48369160-G-A.
Other names: c.3619C>T, p.Arg1207Cys (NM_033150.3); c.3826C>T (NM_001844.4); short protein forms R1207C, R1276C.
Identifiers: ClinVar variation 2137324 (VCV002137324.5), dbSNP rs369672046, ClinGen allele CA6534634.